The following is an entry in ClinVar:

ClinVar aggregate classification (germline): Likely benign. Review status: criteria provided, single submitter (1 of 4 stars). 2 submissions from 2 submitters: Likely benign (1). 1 of the submissions does not count toward it. Last evaluated 2024-09-10.

Conditions:
Episodic ataxia type 2 (EA2). Also called: ATAXIA, EPISODIC, WITH NYSTAGMUS; ATAXIA, FAMILIAL PAROXYSMAL; CEREBELLAR ATAXIA, PAROXYSMAL, ACETAZOLAMIDE-RESPONSIVE; CEREBELLOPATHY, HEREDITARY PAROXYSMAL; EPISODIC ATAXIA, NYSTAGMUS-ASSOCIATED; ACETAZOLAMIDE-RESPONSIVE HEREDITARY PAROXYSMAL CEREBELLAR ATAXIA. Identifiers: Orphanet 97, MedGen C1720416, MONDO:0007163, OMIM 108500.
Developmental and epileptic encephalopathy, 42 (DEE42A). Also called: Epileptic encephalopathy, early infantile, 42; DEVELOPMENTAL AND EPILEPTIC ENCEPHALOPATHY 42A; EPILEPTIC ENCEPHALOPATHY, EARLY INFANTILE, 42A. Identifiers: MedGen C4310716, MONDO:0014917, OMIM 617106.
CACNA1A-related disorder. Also called: CACNA1A-related condition.

Allele frequency attached by ClinVar (database versions not stated): gnomAD 0.00001; TOPMed 0.00001; gnomAD exomes 0.00003 and 0.00011; ExAC 0.00004; 1000 Genomes Project 0.00020; 1000 Genomes Project 30x 0.00031.
gnomAD v4.1: 155 of 1,613,504 alleles (0.0096%); highest among the groups gnomAD compares: Non-Finnish European, 0.012%; no homozygotes.

Submissions (2):

Labcorp Genetics (formerly Invitae), Labcorp
Classification: Likely benign for Developmental and epileptic encephalopathy, 42; Episodic ataxia type 2. Last evaluated: 2024-09-10. Review status: criteria provided, single submitter. Criteria: Invitae Variant Classification Sherloc (09022015). Collection method: clinical testing. Allele origin: germline.

PreventionGenetics, part of Exact Sciences
Classification: Likely benign for CACNA1A-related condition. Last evaluated: 2020-10-21. Review status: no assertion criteria provided. Collection method: clinical testing. Allele origin: germline. Not counted in ClinVar's aggregate classification.
Comment: This variant is classified as likely benign based on ACMG/AMP sequence variant interpretation guidelines (Richards et al. 2015 PMID: 25741868, with internal and published modifications).

NM_001127222.2(CACNA1A):c.3246C>T (p.His1082=)

Gene: CACNA1A (calcium voltage-gated channel subunit alpha1 A; minus strand). Cytogenetic location: 19p13.13.
Variant type: single nucleotide variant.
Coding change: c.3246C>T on transcript NM_001127222.2 (MANE Select); coding-DNA position 3246, C replaced by T.
Protein change: p.His1082=; no amino-acid change (histidine 1082 retained).
Molecular consequence: synonymous variant.
Genome position (GRCh38, 1-based): chr19:13,286,810, G>A on the plus strand (C>T on the coding strand, the complement: CACNA1A is on the minus strand). VCF-style: chr19-13286810-G-A. GRCh37 (hg19) VCF-style: chr19-13397624-G-A.
Other names: c.3246C>T (NM_001127222.1); c.3258C>T, p.His1086= (NM_000068.4, NM_023035.3); c.3249C>T, p.His1083= (NM_001127221.2, NM_001174080.2).
Identifiers: ClinVar variation 762111 (VCV000762111.11), dbSNP rs556541935, ClinGen allele CA9240378.